The following is an entry in ClinVar:

ClinVar aggregate classification (germline): Conflicting classifications of pathogenicity. Review status: criteria provided, conflicting classifications (1 of 4 stars). 6 submissions from 6 submitters: Uncertain significance (5); Likely benign (1). Last evaluated 2025-10-21.

Conditions:
Microcephaly 5, primary, autosomal recessive (MCPH5). Also called: ASPM Primary Microcephaly. Identifiers: Orphanet 2512, MedGen C1837501, MONDO:0012106, OMIM 608716.

Allele frequency attached by ClinVar (database versions not stated): gnomAD exomes 0.00014 and 0.00031; ExAC 0.00015; ESP Exome Variant Server 0.00015; gnomAD 0.00019 and 0.00020; TOPMed 0.00021.
gnomAD v4.1: 467 of 1,612,668 alleles (0.029%); highest among the groups gnomAD compares: Non-Finnish European, 0.038%; no homozygotes.

Submissions (6):

Labcorp Genetics (formerly Invitae), Labcorp
Classification: Uncertain significance. Last evaluated: 2025-10-21. Review status: criteria provided, single submitter. Criteria: Invitae Variant Classification Sherloc (09022015). Collection method: clinical testing. Allele origin: germline.
Comment: This sequence change replaces lysine, which is basic and polar, with asparagine, which is neutral and polar, at codon 2476 of the ASPM protein (p.Lys2476Asn). This variant is present in population databases (rs200654820, gnomAD 0.03%). This missense change has been observed in individual(s) with primary autosomal recessive microcephaly (PMID: 23611254). ClinVar contains an entry for this variant (Variation ID: 157869). Invitae Evidence Modeling of protein sequence and biophysical properties (such as structural, functional, and spatial information, amino acid conservation, physicochemical variation, residue mobility, and thermodynamic stability) indicates that this missense variant is not expected to disrupt ASPM protein function with a negative predictive value of 80%. In summary, the available evidence is currently insufficient to determine the role of this variant in disease. Therefore, it has been classified as a Variant of Uncertain Significance.

Athena Diagnostics
Classification: Uncertain significance. Last evaluated: 2018-10-24. Review status: criteria provided, single submitter. Criteria: Athena Diagnostics Criteria. Collection method: clinical testing. Allele origin: germline.

GeneDx
Classification: Likely benign. Last evaluated: 2018-09-20. Review status: criteria provided, single submitter. Criteria: GeneDx Variant Classification Process June 2021. Collection method: clinical testing. Allele origin: germline. Affected: yes.

Illumina Laboratory Services, Illumina
Classification: Uncertain significance for Microcephaly 5, primary, autosomal recessive. Last evaluated: 2018-01-13. Review status: criteria provided, single submitter. Criteria: ICSL Variant Classification Criteria 13 December 2019. Collection method: clinical testing. Allele origin: germline.

Eurofins Ntd Llc (ga)
Classification: Uncertain significance. Last evaluated: 2017-06-09. Review status: criteria provided, single submitter. Criteria: EGL Classification Definitions 2015. Collection method: clinical testing. Allele origin: germline. Observed: 1 variant allele, 1 heterozygote.

Genetic Services Laboratory, University of Chicago
Classification: Uncertain significance for Microcephaly 5, primary, autosomal recessive. Last evaluated: 2013-02-08. Review status: criteria provided, single submitter. Criteria: ACMG Guidelines, 2007. Collection method: clinical testing. Allele origin: germline. Inheritance: Autosomal recessive inheritance.

Literature cited by the submitters: PubMed 23611254 (cited by Labcorp Genetics (formerly Invitae), Labcorp and Athena Diagnostics).

NM_018136.5(ASPM):c.7428G>T (p.Lys2476Asn)

Gene: ASPM (assembly factor for spindle microtubules; minus strand). Cytogenetic location: 1q31.3.
Variant type: single nucleotide variant.
Coding change: c.7428G>T on transcript NM_018136.5 (MANE Select); coding-DNA position 7428, G replaced by T.
Protein change: p.Lys2476Asn; replaces lysine 2476 with asparagine.
Molecular consequence: missense variant. On other transcripts: intron variant (1).
Genome position (GRCh38, 1-based): chr1:197,101,823, C>A on the plus strand (G>T on the coding strand, the complement: ASPM is on the minus strand). VCF-style: chr1-197101823-C-A. GRCh37 (hg19) VCF-style: chr1-197070953-C-A.
Other names: c.4066-5659G>T (NM_001206846.2); short protein forms K2476N.
Identifiers: ClinVar variation 157869 (VCV000157869.20), dbSNP rs200654820, ClinGen allele CA271097.